The following is an entry in ClinVar:

ClinVar aggregate classification (germline): Uncertain significance. Review status: criteria provided, multiple submitters, no conflicts (2 of 4 stars). 3 submissions from 3 submitters: Uncertain significance (3). Last evaluated 2025-12-10.

Conditions:
Hereditary cancer-predisposing syndrome. Also called: Hereditary Cancer Syndrome; Hereditary neoplastic syndrome; Neoplastic Syndromes, Hereditary; Tumor predisposition. Identifiers: Orphanet 140162, MedGen C0027672, MeSH D009386, MONDO:0015356.
DICER1-related tumor predisposition. Also called: DICER1-related pleuropulmonary blastoma cancer predisposition syndrome; DICER1 syndrome. Identifiers: Orphanet 284343, MedGen C3839822, MONDO:0100216.

Submissions (3):

Labcorp Genetics (formerly Invitae), Labcorp
Classification: Uncertain significance for DICER1-related tumor predisposition. Last evaluated: 2025-12-10. Review status: criteria provided, single submitter. Criteria: Invitae Variant Classification Sherloc (09022015). Collection method: clinical testing. Allele origin: germline.
Comment: This sequence change replaces valine, which is neutral and non-polar, with leucine, which is neutral and non-polar, at codon 1080 of the DICER1 protein (p.Val1080Leu). This variant is not present in population databases (gnomAD no frequency). This variant has not been reported in the literature in individuals affected with DICER1-related conditions. ClinVar contains an entry for this variant (Variation ID: 3393367). Invitae Evidence Modeling of protein sequence and biophysical properties (such as structural, functional, and spatial information, amino acid conservation, physicochemical variation, residue mobility, and thermodynamic stability) indicates that this missense variant is not expected to disrupt DICER1 protein function with a negative predictive value of 95%. In summary, the available evidence is currently insufficient to determine the role of this variant in disease. Therefore, it has been classified as a Variant of Uncertain Significance.

Ambry Genetics
Classification: Uncertain significance for Hereditary cancer-predisposing syndrome. Last evaluated: 2025-03-08. Review status: criteria provided, single submitter. Criteria: Ambry Variant Classification Scheme 2023. Collection method: clinical testing. Allele origin: germline.
Comment: The p.V1080L variant (also known as c.3238G>C), located in coding exon 19 of the DICER1 gene, results from a G to C substitution at nucleotide position 3238. The valine at codon 1080 is replaced by leucine, an amino acid with highly similar properties. This amino acid position is conserved. In addition, the in silico prediction for this alteration is inconclusive. Based on the available evidence, the clinical significance of this variant remains unclear.

Hereditary Cancer Group, L’Institut d'Investigació Biomèdica de Bellvitge
Classification: Uncertain significance for Hereditary cancer-predisposing syndrome. Last evaluated: 2024-12-19. Review status: criteria provided, single submitter. Criteria: Hatton et al. (Hum Mutat. 2023). Collection method: clinical testing. Allele origin: germline. Inheritance: Autosomal dominant inheritance. Affected: yes.
Comment: PM2_supporting, BP4

NM_177438.3(DICER1):c.3238G>C (p.Val1080Leu)

Gene: DICER1 (dicer 1, ribonuclease III; minus strand). Cytogenetic location: 14q32.13.
Variant type: single nucleotide variant.
Coding change: c.3238G>C on transcript NM_177438.3 (MANE Select); coding-DNA position 3238, G replaced by C.
Protein change: p.Val1080Leu; replaces valine 1080 with leucine.
Molecular consequence: missense variant. On other transcripts: non-coding transcript variant (6).
Genome position (GRCh38, 1-based): chr14:95,105,102, C>G on the plus strand (G>C on the coding strand, the complement: DICER1 is on the minus strand). VCF-style: chr14-95105102-C-G. GRCh37 (hg19) VCF-style: chr14-95571439-C-G.
Other names: c.3238G>C, p.Val1080Leu (NM_001195573.1, NM_001271282.3, NM_001291628.2 and 12 more transcripts); c.2956G>C, p.Val986Leu (NM_001395686.1); c.2833G>C, p.Val945Leu (NM_001395687.1, NM_001395688.1, NM_001395689.1 and 2 more transcripts); c.2671G>C, p.Val891Leu (NM_001395691.1); c.1555G>C, p.Val519Leu (NM_001395697.1); short protein forms V1080L, V519L, V891L, V945L, V986L.
Identifiers: ClinVar variation 3393367 (VCV003393367.3).